The following is an entry in ClinVar:

ClinVar aggregate classification (germline): Uncertain significance. Review status: criteria provided, multiple submitters, no conflicts (2 of 4 stars). 2 submissions from 2 submitters: Uncertain significance (2). Last evaluated 2024-03-01.

Conditions:
Autoimmune lymphoproliferative syndrome, type III caused by mutation in PRKCD. Identifiers: Orphanet 3261, Orphanet 664711, MedGen C3809928, MONDO:8000024, OMIM 615559.

Allele frequency attached by ClinVar (database versions not stated): gnomAD exomes below 0.00001.
gnomAD v4.1: 1 of 1,612,918 alleles (0.000062%); highest among the groups gnomAD compares: Non-Finnish European, 0.000085%; no homozygotes.

Submissions (2):

Mayo Clinic Laboratories, Mayo Clinic
Classification: Uncertain significance. Last evaluated: 2024-03-01. Review status: criteria provided, single submitter. Criteria: ACMG Guidelines, 2015. Collection method: clinical testing. Allele origin: germline. Observed: 1 variant allele.
Comment: BP4, PM2

Labcorp Genetics (formerly Invitae), Labcorp
Classification: Uncertain significance for Autoimmune lymphoproliferative syndrome, type III caused by mutation in PRKCD. Last evaluated: 2022-04-16. Review status: criteria provided, single submitter. Criteria: Invitae Variant Classification Sherloc (09022015). Collection method: clinical testing. Allele origin: germline.
Comment: This sequence change replaces asparagine, which is neutral and polar, with lysine, which is basic and polar, at codon 10 of the PRKCD protein (p.Asn10Lys). In summary, the available evidence is currently insufficient to determine the role of this variant in disease. Therefore, it has been classified as a Variant of Uncertain Significance. Algorithms developed to predict the effect of missense changes on protein structure and function are either unavailable or do not agree on the potential impact of this missense change (SIFT: "Deleterious"; PolyPhen-2: "Benign"; Align-GVGD: "Class C0"). This variant has not been reported in the literature in individuals affected with PRKCD-related conditions. This variant is not present in population databases (gnomAD no frequency).

NM_006254.4(PRKCD):c.30C>A (p.Asn10Lys)

Gene: PRKCD (protein kinase C delta; plus strand). Cytogenetic location: 3p21.1.
Variant type: single nucleotide variant.
Coding change: c.30C>A on transcript NM_006254.4 (MANE Select); coding-DNA position 30, C replaced by A.
Protein change: p.Asn10Lys; replaces asparagine 10 with lysine.
Molecular consequence: missense variant.
Genome position (GRCh38, 1-based): chr3:53,178,452, C>A. VCF-style: chr3-53178452-C-A. GRCh37 (hg19) VCF-style: chr3-53212468-C-A.
Other names: p.Asn10Lys; c.30C>A, p.Asn10Lys (NM_001316327.2, NM_001354679.2, NM_001354680.2 and 1 more transcripts); c.87C>A, p.Asn29Lys (NM_001354676.2); c.78C>A, p.Asn26Lys (NM_001354678.2); short protein forms N26K, N10K, N29K.
Identifiers: ClinVar variation 2126959 (VCV002126959.5), dbSNP rs1575532463, ClinGen allele CA353232223.
Genomic context (GRCh38, chr3:53,178,452, plus strand): 5'-CTGTGTGCACAGCCCCACTGCAGGCCCCACCATGGCGCCGTTCCTGCGCATCGCCTTCAA[C>A]TCCTATGAGCTGGGCTCCCTGCAGGCCGAGGACGAGGCGAACCAGCCCTTCTGTGCCGTG-3'
Protein context (NP_006245.2, residues 1-20): MAPFLRIAF[Asn10Lys]SYELGSLQAE